The following is an entry in ClinVar:

ClinVar aggregate classification (germline): Uncertain significance. Review status: criteria provided, multiple submitters, no conflicts (2 of 4 stars). 2 submissions from 2 submitters: Uncertain significance (2). Last evaluated 2025-01-09.

Conditions:
Hereditary cancer-predisposing syndrome. Also called: Neoplastic Syndromes, Hereditary; Hereditary neoplastic syndrome; Hereditary Cancer Syndrome; Tumor predisposition. Identifiers: Orphanet 140162, MedGen C0027672, MeSH D009386, MONDO:0015356.
Multiple endocrine neoplasia type 4. Also called: MULTIPLE ENDOCRINE NEOPLASIA, TYPE IV. Identifiers: Orphanet 276152, MedGen C1970712, MONDO:0012552, OMIM 610755.

Allele frequency attached by ClinVar (database versions not stated): gnomAD exomes below 0.00001.

Submissions (2):

Ambry Genetics
Classification: Uncertain significance for Hereditary cancer-predisposing syndrome. Last evaluated: 2025-01-09. Review status: criteria provided, single submitter. Criteria: Ambry Variant Classification Scheme 2023. Collection method: clinical testing. Allele origin: germline.

Labcorp Genetics (formerly Invitae), Labcorp
Classification: Uncertain significance for Multiple endocrine neoplasia type 4. Last evaluated: 2021-10-27. Review status: criteria provided, single submitter. Criteria: Invitae Variant Classification Sherloc (09022015). Collection method: clinical testing. Allele origin: germline.
Comment: This sequence change replaces aspartic acid, which is acidic and polar, with glycine, which is neutral and non-polar, at codon 132 of the CDKN1B protein (p.Asp132Gly). This variant is not present in population databases (gnomAD no frequency). This variant has not been reported in the literature in individuals affected with CDKN1B-related conditions. ClinVar contains an entry for this variant (Variation ID: 656728). Algorithms developed to predict the effect of missense changes on protein structure and function (SIFT, PolyPhen-2, Align-GVGD) all suggest that this variant is likely to be tolerated. In summary, the available evidence is currently insufficient to determine the role of this variant in disease. Therefore, it has been classified as a Variant of Uncertain Significance.

NM_004064.5(CDKN1B):c.395A>G (p.Asp132Gly)

Gene: CDKN1B (cyclin dependent kinase inhibitor 1B; plus strand). Cytogenetic location: 12p13.1.
Variant type: single nucleotide variant.
Coding change: c.395A>G on transcript NM_004064.5 (MANE Select); coding-DNA position 395, A replaced by G.
Protein change: p.Asp132Gly; replaces aspartic acid 132 with glycine.
Molecular consequence: missense variant.
Genome position (GRCh38, 1-based): chr12:12,718,234, A>G. VCF-style: chr12-12718234-A-G. GRCh37 (hg19) VCF-style: chr12-12871168-A-G.
Other names: c.395A>G (NM_004064.3); short protein forms D132G.
Identifiers: ClinVar variation 656728 (VCV000656728.6), dbSNP rs1592281202, ClinGen allele CA383970590.